The following is an entry in ClinVar:

NM_001386094.1(AGBL1):c.1775A>G (p.Asn592Ser)

Gene: AGBL1 (AGBL carboxypeptidase 1; plus strand). Cytogenetic location: 15q25.3.
Variant type: single nucleotide variant.
Coding change: c.1775A>G on transcript NM_001386094.1 (MANE Select); coding-DNA position 1775, A replaced by G.
Protein change: p.Asn592Ser; replaces asparagine 592 with serine.
Molecular consequence: missense variant.
Genome position (GRCh38, 1-based): chr15:86,267,013, A>G. VCF-style: chr15-86267013-A-G. GRCh37 (hg19) VCF-style: chr15-86810244-A-G.
Other names: c.1775A>G, p.Asn592Ser (NM_152336.4); short protein forms N592S.
Identifiers: ClinVar variation 2629194 (VCV002629194.1), dbSNP rs1193779789, ClinGen allele CA393407233.

ClinVar aggregate classification (germline): Uncertain significance (1 of 4 stars; one submission).

Conditions:
AGBL1-related disorder. Also called: AGBL1-related condition.

Allele frequency attached by ClinVar (database versions not stated): gnomAD exomes below 0.00001.
gnomAD v4.1: 7 of 1,571,134 alleles (0.00045%); highest among the groups gnomAD compares: East Asian, 0.0023%; no homozygotes.

Submission:

PreventionGenetics, part of Exact Sciences
Classification: Uncertain significance for AGBL1-related condition. Last evaluated: 2022-11-17. Review status: criteria provided, single submitter. Criteria: ACMG Guidelines, 2015. Collection method: clinical testing. Allele origin: germline.
Comment: The AGBL1 c.1775A>G variant is predicted to result in the amino acid substitution p.Asn592Ser. To our knowledge, this variant has not been reported in the literature. This variant is reported in 0.0013% of alleles in individuals of European (Non-Finnish) descent in gnomAD. At this time, the clinical significance of this variant is uncertain due to the absence of conclusive functional and genetic evidence.